The following is an entry in ClinVar:

NM_001370259.2(MEN1):c.19C>A (p.Gln7Lys)

Gene: MEN1 (menin 1; minus strand). Cytogenetic location: 11q13.1.
Variant type: single nucleotide variant.
Coding change: c.19C>A on transcript NM_001370259.2 (MANE Select); coding-DNA position 19, C replaced by A.
Protein change: p.Gln7Lys; replaces glutamine 7 with lysine.
Molecular consequence: missense variant. On other transcripts: non-coding transcript variant (4).
Genome position (GRCh38, 1-based): chr11:64,810,091, G>T on the plus strand (C>A on the coding strand, the complement: MEN1 is on the minus strand). VCF-style: chr11-64810091-G-T. GRCh37 (hg19) VCF-style: chr11-64577563-G-T.
Other names: c.19C>A, p.Gln7Lys (NM_000244.4, NM_001370251.2, NM_001370260.2 and 20 more transcripts); short protein forms Q7K.
Identifiers: ClinVar variation 3075332 (VCV003075332.1), dbSNP rs1942027113, ClinGen allele CA381188296.

ClinVar aggregate classification (germline): Uncertain significance (1 of 4 stars; one submission).

Conditions:
Multiple endocrine neoplasia, type 1 (MEN1). Also called: MEN I; WERMER SYNDROME; Endocrine adenomatosis multiple; MEN 1; MEA I. Identifiers: Orphanet 652, MedGen C0025267, MeSH D018761, MONDO:0007540, OMIM 131100.

Submission:

All of Us Research Program, National Institutes of Health
Classification: Uncertain significance for Multiple endocrine neoplasia, type 1. Last evaluated: 2024-01-11. Review status: criteria provided, single submitter. Criteria: ACMG Guidelines, 2015. Collection method: clinical testing. Allele origin: germline. Inheritance: Autosomal dominant inheritance. Observed: 1 variant allele, 1 heterozygote.
Comment: This study involves interpretation of variants in research participants for the purpose of population health screening. Participant phenotype was not available at the time of variant classification. Additional details can be found in publication PMID: 35346344, PMCID: PMC8962531